The following is an entry in ClinVar:

NM_000270.4(PNP):c.461G>A (p.Arg154Lys)

Gene: PNP (purine nucleoside phosphorylase; plus strand). Cytogenetic location: 14q11.2.
Variant type: single nucleotide variant.
Coding change: c.461G>A on transcript NM_000270.4 (MANE Select); coding-DNA position 461, G replaced by A.
Protein change: p.Arg154Lys; replaces arginine 154 with lysine.
Molecular consequence: missense variant.
Genome position (GRCh38, 1-based): chr14:20,474,948, G>A. VCF-style: chr14-20474948-G-A. GRCh37 (hg19) VCF-style: chr14-20943107-G-A.
Other names: short protein forms R154K.
Identifiers: ClinVar variation 565932 (VCV000565932.6), dbSNP rs1566525680, ClinGen allele CA389145443.
Genomic context (GRCh38, chr14:20,474,948, plus strand): 5'-ACCATATCAACCTACCTGGTTTCAGTGGTCAGAACCCTCTCAGAGGGCCCAATGATGAAA[G>A]GTATGTATGTTACTCCGTTTTTTTTAGGTGGGTAGGATTTAAAGACTTCTCTAGGAGCTG-3'
Protein context (NP_000261.2, residues 144-164): QNPLRGPNDE[Arg154Lys]FGDRFPAMSD

ClinVar aggregate classification (germline): Uncertain significance (1 of 4 stars; one submission).

Conditions:
Purine-nucleoside phosphorylase deficiency. Also called: Immunodeficiency due to purine nucleoside phosphorylase deficiency; NUCLEOSIDE PHOSPHORYLASE DEFICIENCY. Identifiers: Orphanet 760, MedGen C0268125, MONDO:0013171, OMIM 613179.

Submission:

Labcorp Genetics (formerly Invitae), Labcorp
Classification: Uncertain significance for Purine-nucleoside phosphorylase deficiency. Last evaluated: 2021-08-31. Review status: criteria provided, single submitter. Criteria: Invitae Variant Classification Sherloc (09022015). Collection method: clinical testing. Allele origin: germline.
Comment: This sequence change replaces arginine with lysine at codon 154 of the PNP protein (p.Arg154Lys). The arginine residue is highly conserved and there is a small physicochemical difference between arginine and lysine. This variant also falls at the last nucleotide of exon 4, which is part of the consensus splice site for this exon. This variant is not present in population databases (ExAC no frequency). This variant has not been reported in the literature in individuals affected with PNP-related conditions. Algorithms developed to predict the effect of missense changes on protein structure and function (SIFT, PolyPhen-2, Align-GVGD) all suggest that this variant is likely to be tolerated. Variants that disrupt the consensus splice site are a relatively common cause of aberrant splicing (PMID: 17576681, 9536098). Algorithms developed to predict the effect of sequence changes on RNA splicing suggest that this variant may disrupt the consensus splice site. In summary, the available evidence is currently insufficient to determine the role of this variant in disease. Therefore, it has been classified as a Variant of Uncertain Significance.

Literature cited by the submitters: PubMed 17576681; PubMed 9536098.